The following is an entry in ClinVar:

NM_000539.3(RHO):c.*33C>T

Gene: RHO (rhodopsin; plus strand). Cytogenetic location: 3q22.1.
Variant type: single nucleotide variant.
Coding change: c.*33C>T on transcript NM_000539.3 (MANE Select); 33 bases downstream of the stop codon, C replaced by T.
Molecular consequence: 3 prime UTR variant.
Genome position (GRCh38, 1-based): chr3:129,533,751, C>T. VCF-style: chr3-129533751-C-T. GRCh37 (hg19) VCF-style: chr3-129252594-C-T.
Identifiers: ClinVar variation 256381 (VCV000256381.6), dbSNP rs113310993, ClinGen allele CA2607376.

ClinVar aggregate classification (germline): Benign/Likely benign. Review status: criteria provided, multiple submitters, no conflicts (2 of 4 stars). 3 submissions from 2 submitters: Benign (2); Likely benign (1). Last evaluated 2018-01-13.

Conditions:
Congenital stationary night blindness autosomal dominant 1. Also called: NIGHT BLINDNESS, CONGENITAL STATIONARY, RHODOPSIN-RELATED. Identifiers: Orphanet 215, MedGen C1864869, MONDO:0012498, OMIM 610445.
Retinitis pigmentosa (RP). Identifiers: Orphanet 791, MedGen C0035334, MeSH D012174, MONDO:0019200, OMIM 268000. Inheritance: Autosomal dominant, autosomal recessive and X linked inheritance.

Allele frequency attached by ClinVar (database versions not stated): 1000 Genomes Project 30x 0.00859; gnomAD 0.01010 and 0.01076; TOPMed 0.01173; ESP Exome Variant Server 0.01238; gnomAD exomes 0.00157 and 0.00330; ExAC 0.00384; 1000 Genomes Project 0.00859.

Submissions (3):

Illumina Laboratory Services, Illumina
Classification: Benign for Congenital stationary night blindness autosomal dominant 1. Last evaluated: 2018-01-13. Review status: criteria provided, single submitter. Criteria: ICSL Variant Classification Criteria 13 December 2019. Collection method: clinical testing. Allele origin: germline.
Comment: This variant was observed in the ICSL laboratory as part of a predisposition screen in an ostensibly healthy population. It had not been previously curated by ICSL or reported in the Human Gene Mutation Database (HGMD: prior to June 1st, 2018), and was therefore a candidate for classification through an automated scoring system. Utilizing variant allele frequency, disease prevalence and penetrance estimates, and inheritance mode, an automated score was calculated to assess if this variant is too frequent to cause the disease. Based on the score and internal cut-off values, a variant classified as benign is not then subjected to further curation. The score for this variant resulted in a classification of benign for this disease.

Illumina Laboratory Services, Illumina
Classification: Benign for Retinitis pigmentosa. Last evaluated: 2018-01-13. Review status: criteria provided, single submitter. Criteria: ICSL Variant Classification Criteria 13 December 2019. Collection method: clinical testing. Allele origin: germline.
Comment: the same text as in the submission from Illumina Laboratory Services, Illumina above.

PreventionGenetics, part of Exact Sciences
Classification: Likely benign. Review status: criteria provided, single submitter. Criteria: ACMG Guidelines, 2015. Collection method: clinical testing. Allele origin: germline.